The following is an entry in ClinVar:

ClinVar aggregate classification (germline): Uncertain significance (1 of 4 stars; one submission).

Conditions:
RASopathy. Also called: rasopathies; Noonan spectrum disorder. Identifiers: Orphanet 536391, MedGen C5555857, MONDO:0021060.

Submission:

Labcorp Genetics (formerly Invitae), Labcorp
Classification: Uncertain significance for RASopathy. Last evaluated: 2024-04-16. Review status: criteria provided, single submitter. Criteria: Invitae Variant Classification Sherloc (09022015). Collection method: clinical testing. Allele origin: germline.
Comment: This sequence change falls in intron 8 of the CBL gene. It does not directly change the encoded amino acid sequence of the CBL protein. It affects a nucleotide within the consensus splice site. This variant is not present in population databases (gnomAD no frequency). This variant has not been reported in the literature in individuals affected with CBL-related conditions. ClinVar contains an entry for this variant (Variation ID: 1898058). Variants that disrupt the consensus splice site are a relatively common cause of aberrant splicing (PMID: 17576681, 9536098). Algorithms developed to predict the effect of sequence changes on RNA splicing suggest that this variant may disrupt the consensus splice site. In summary, the available evidence is currently insufficient to determine the role of this variant in disease. Therefore, it has been classified as a Variant of Uncertain Significance.

Literature cited by the submitters: PubMed 17576681; PubMed 9536098.

NM_005188.4(CBL):c.1227+5G>C

Gene: CBL (Cbl proto-oncogene; plus strand). Cytogenetic location: 11q23.3.
Variant type: single nucleotide variant.
Coding change: c.1227+5G>C on transcript NM_005188.4 (MANE Select); 5 bases into the intron after coding-DNA position 1227, G replaced by C.
Molecular consequence: intron variant.
Genome position (GRCh38, 1-based): chr11:119,278,302, G>C. VCF-style: chr11-119278302-G-C. GRCh37 (hg19) VCF-style: chr11-119149012-G-C.
Identifiers: ClinVar variation 1898058 (VCV001898058.5), dbSNP rs756550704, ClinGen allele CA2580083692.